The following is an entry in ClinVar:

ClinVar aggregate classification (germline): Pathogenic (1 of 4 stars; one submission).

Conditions:
Familial intrahepatic cholestasis. Identifiers: Orphanet 284385, MedGen CN296401, MONDO:0017290.
Low phospholipid associated cholelithiasis (GBD1). Also called: Gallbladder disease 1; Gallstone cholecystitis. Identifiers: Orphanet 69663, MedGen C2609268, MONDO:0010939, OMIM 600803.

Submission:

Genomenon, Inc
Classification: Pathogenic for Familial intrahepatic cholestasis; Low phospholipid associated cholelithiasis. Last evaluated: 2026-04-14. Review status: criteria provided, single submitter. Criteria: Genomenon Sequence Variant Interpretation Standards - Updated. Collection method: curation. Allele origin: germline. Affected: yes.
Comment: ABCB4 p.Glu888Ter (c.2662G>T) is a nonsense variant that introduces a premature stop codon at amino acid position 888, creating a truncated protein that is predicted to undergo nonsense-mediated mRNA decay. This variant has been observed in at least one proband with an ABCB4-related disorder (PMID:23533021;21119540). It is absent or not present at a significant frequency in gnomAD. In conclusion, we classify ABCB4 p.Glu888Ter (c.2662G>T) as a pathogenic variant.

Literature cited by the submitters: PubMed 23533021; PubMed 21119540.

NM_000443.4(ABCB4):c.2662G>T (p.Glu888Ter)

Gene: ABCB4 (ATP binding cassette subfamily B member 4; minus strand). Cytogenetic location: 7q21.12.
Variant type: single nucleotide variant.
Coding change: c.2662G>T on transcript NM_000443.4 (MANE Select); coding-DNA position 2662, G replaced by T.
Protein change: p.Glu888Ter; replaces glutamic acid 888 with a stop codon.
Molecular consequence: nonsense.
Genome position (GRCh38, 1-based): chr7:87,417,332, C>A on the plus strand (G>T on the coding strand, the complement: ABCB4 is on the minus strand). VCF-style: chr7-87417332-C-A. GRCh37 (hg19) VCF-style: chr7-87046648-C-A.
Other names: c.2662G>T, p.Glu888Ter (NM_018849.3, NM_018850.3); short protein forms E888*.
Identifiers: ClinVar variation 4846439 (VCV004846439.1).
Genomic context (GRCh38, chr7:87,417,332, plus strand): 5'-AAACAACACTTAACACCAATTGAAATCTTATTTGACCTACCTTTCCAGCAGCTTCCAGTT[C>A]TTTTTTATCTCTTTTGGCATTTCCAGCCAACAATTTCATTTCAACAATTCCTGACACAGC-3'